The following is an entry in ClinVar:

NM_002640.4(SERPINB8):c.708G>A (p.Thr236=)

Gene: SERPINB8 (serpin family B member 8; plus strand). Cytogenetic location: 18q22.1.
Variant type: single nucleotide variant.
Coding change: c.708G>A on transcript NM_002640.4 (MANE Select); coding-DNA position 708, G replaced by A.
Protein change: p.Thr236=; no amino-acid change (threonine 236 retained).
Molecular consequence: synonymous variant. On other transcripts: non-coding transcript variant (1).
Genome position (GRCh38, 1-based): chr18:63,985,233, G>A. VCF-style: chr18-63985233-G-A. GRCh37 (hg19) VCF-style: chr18-61652467-G-A.
Other names: c.708G>A, p.Thr236= (NM_001366198.1, NM_198833.2, NM_001031848.2 and 3 more transcripts); c.162G>A, p.Thr54= (NM_001276490.2); c.168G>A, p.Thr56= (NM_001348370.2).
Identifiers: ClinVar variation 3047665 (VCV003047665.2), dbSNP rs565450690, ClinGen allele CA8990798.

ClinVar aggregate classification (germline): Likely benign (0 of 4 stars; one submission).

Conditions:
SERPINB8-related disorder. Also called: SERPINB8-related condition.

Allele frequency attached by ClinVar (database versions not stated): TOPMed 0.00001; gnomAD 0.00004; ExAC 0.00010; 1000 Genomes Project 0.00020; 1000 Genomes Project 30x 0.00031.
gnomAD v4.1: 100 of 1,614,112 alleles (0.0062%); highest among the groups gnomAD compares: South Asian, 0.088%; no homozygotes.

Submission:

PreventionGenetics, part of Exact Sciences
Classification: Likely benign for SERPINB8-related condition. Last evaluated: 2021-03-08. Review status: no assertion criteria provided. Collection method: clinical testing. Allele origin: germline.
Comment: This variant is classified as likely benign based on ACMG/AMP sequence variant interpretation guidelines (Richards et al. 2015 PMID: 25741868, with internal and published modifications).